The following is an entry in ClinVar:

NM_015378.4(VPS13D):c.2855C>T (p.Ser952Leu)

Gene: VPS13D (vacuolar protein sorting 13 homolog D; plus strand). Cytogenetic location: 1p36.22.
Variant type: single nucleotide variant.
Coding change: c.2855C>T on transcript NM_015378.4 (MANE Select); coding-DNA position 2855, C replaced by T.
Protein change: p.Ser952Leu; replaces serine 952 with leucine.
Molecular consequence: missense variant.
Genome position (GRCh38, 1-based): chr1:12,276,443, C>T. VCF-style: chr1-12276443-C-T. GRCh37 (hg19) VCF-style: chr1-12336500-C-T.
Other names: p.Ser952Leu; c.2855C>T, p.Ser952Leu (NM_018156.4); short protein forms S952L.
Identifiers: ClinVar variation 1806571 (VCV001806571.3), dbSNP rs148989384, ClinGen allele CA601880.
Genomic context (GRCh38, chr1:12,276,443, plus strand): 5'-TGAATTTAACCCAGAGCATTGTGTTGTTGGAGCAGCATACCCGCGAGGTTCTGGTGGAGT[C>T]GCAGCTCCTCCTGGCGGAATTTAAAGTGAACTGTATGCAGCTTGGTGTTGAGAGCAATGG-3'
Protein context (NP_056193.2, residues 942-962): EQHTREVLVE[Ser952Leu]QLLLAEFKVN

ClinVar aggregate classification (germline): Uncertain significance. Review status: criteria provided, multiple submitters, no conflicts (2 of 4 stars). 3 submissions from 3 submitters: Uncertain significance (3). Last evaluated 2023-06-01.

Allele frequency attached by ClinVar (database versions not stated): gnomAD 0.00001; TOPMed 0.00002; gnomAD exomes 0.00004; ExAC 0.00006; ESP Exome Variant Server 0.00015; 1000 Genomes Project 30x 0.00016; 1000 Genomes Project 0.00020.
gnomAD v4.1: 53 of 1,614,134 alleles (0.0033%); highest among the groups gnomAD compares: Middle Eastern, 0.016%; no homozygotes.

Submissions (3):

Mayo Clinic Laboratories, Mayo Clinic
Classification: Uncertain significance. Last evaluated: 2023-06-01. Review status: criteria provided, single submitter. Criteria: ACMG Guidelines, 2015. Collection method: clinical testing. Allele origin: germline. Observed: 1 variant allele.
Comment: PM2

GeneDx
Classification: Uncertain significance. Last evaluated: 2022-06-23. Review status: criteria provided, single submitter. Criteria: GeneDx Variant Classification Process June 2021. Collection method: clinical testing. Allele origin: germline. Affected: yes.
Comment: In silico analysis supports that this missense variant has a deleterious effect on protein structure/function; Has not been previously published as pathogenic or benign to our knowledge

Labcorp Genetics (formerly Invitae), Labcorp
Classification: Uncertain significance. Last evaluated: 2022-04-26. Review status: criteria provided, single submitter. Criteria: Invitae Variant Classification Sherloc (09022015). Collection method: clinical testing. Allele origin: germline.
Comment: This sequence change replaces serine, which is neutral and polar, with leucine, which is neutral and non-polar, at codon 952 of the VPS13D protein (p.Ser952Leu). This variant is present in population databases (rs148989384, gnomAD 0.006%). This variant has not been reported in the literature in individuals affected with VPS13D-related conditions. Algorithms developed to predict the effect of missense changes on protein structure and function are either unavailable or do not agree on the potential impact of this missense change (SIFT: "Not Available"; PolyPhen-2: "Probably Damaging"; Align-GVGD: "Not Available"). In summary, the available evidence is currently insufficient to determine the role of this variant in disease. Therefore, it has been classified as a Variant of Uncertain Significance.